The following is an entry in ClinVar:

NM_007294.4(BRCA1):c.4676-8C>G

Gene: BRCA1 (BRCA1 DNA repair associated; minus strand). Cytogenetic location: 17q21.31.
Variant type: single nucleotide variant.
Coding change: c.4676-8C>G on transcript NM_007294.4 (MANE Select); 8 bases into the intron before coding-DNA position 4676, C replaced by G.
Molecular consequence: intron variant.
Genome position (GRCh38, 1-based): chr17:43,071,246, G>C on the plus strand (C>G on the coding strand, the complement: BRCA1 is on the minus strand). VCF-style: chr17-43071246-G-C. GRCh37 (hg19) VCF-style: chr17-41223263-G-C.
Other names: IVS15-8C>G; c.1223-8C>G (NM_001408458.1, NM_001408461.1, NM_001408464.1 and 7 more transcripts); c.3785-8C>G (NM_001407967.1); c.4295-8C>G (NM_001407959.1); c.4409-8C>G (NM_001407931.1, NM_001407932.1, NM_001407928.1 and 4 more transcripts); c.4532-8C>G (NM_001407747.1, NM_001407745.1, NM_001407737.1 and 21 more transcripts); c.4292-8C>G (NM_001407962.1, NM_001407960.1); c.863-8C>G (NM_001408512.1); and 72 more.
Identifiers: ClinVar variation 125727 (VCV000125727.29), dbSNP rs80358021, ClinGen allele CA002971.

ClinVar aggregate classification (germline): Benign/Likely benign. Review status: criteria provided, multiple submitters, no conflicts (2 of 4 stars). 12 submissions from 12 submitters: Benign (1); Likely benign (7). 4 of the submissions do not count toward it. Last evaluated 2025-11-24.

Conditions:
Breast and/or ovarian cancer. Identifiers: MedGen CN221562.
Hereditary cancer-predisposing syndrome. Also called: Tumor predisposition; Hereditary neoplastic syndrome; Hereditary Cancer Syndrome; Neoplastic Syndromes, Hereditary. Identifiers: Orphanet 140162, MedGen C0027672, MeSH D009386, MONDO:0015356.
Hereditary breast ovarian cancer syndrome. Also called: Hereditary breast and/or ovarian cancer syndrome; Breast and ovarian cancer; Hereditary breast and ovarian cancer syndrome; Hereditary breast and ovarian cancer; Hereditary breast and ovarian cancer syndrome (HBOC); BRCA1- and BRCA2-Associated Hereditary Breast and Ovarian Cancer. Identifiers: Orphanet 145, MedGen C0677776, MeSH D061325, MONDO:0003582. Disease mechanism: loss of function.
Breast-ovarian cancer, familial, susceptibility to, 1 (BROVCA1). Also called: BRCA1 Hereditary Breast and Ovarian Cancer; OVARIAN CANCER, SUSCEPTIBILITY TO. Identifiers: Orphanet 145, MedGen C2676676, MONDO:0011450, OMIM 604370. Disease mechanism: loss of function.

Allele frequency attached by ClinVar (database versions not stated): TOPMed 0.00001; gnomAD 0.00003 and 0.00004; gnomAD exomes 0.00006; ExAC 0.00008.
gnomAD v4.1: 74 of 1,613,080 alleles (0.0046%); highest among the groups gnomAD compares: Non-Finnish European, 0.0032%; no homozygotes.

Submissions (12):

Labcorp Genetics (formerly Invitae), Labcorp
Classification: Likely benign for Hereditary breast ovarian cancer syndrome. Last evaluated: 2025-11-24. Review status: criteria provided, single submitter. Criteria: Invitae Variant Classification Sherloc (09022015). Collection method: clinical testing. Allele origin: germline.

Center for Genomic Medicine, Rigshospitalet, Copenhagen University Hospital
Classification: Likely benign. Last evaluated: 2025-03-04. Review status: criteria provided, single submitter. Criteria: ACMG Guidelines, 2015. Collection method: clinical testing. Allele origin: germline.

Blueprint Genetics
Classification: Likely benign. Last evaluated: 2024-05-17. Review status: criteria provided, single submitter. Criteria: ACMG Guidelines, 2015. Collection method: clinical testing. Allele origin: germline.

CHEO Genetics Diagnostic Laboratory, Children's Hospital of Eastern Ontario
Classification: Likely benign for Breast and/or ovarian cancer. Last evaluated: 2022-05-20. Review status: criteria provided, single submitter. Criteria: ACMG Guidelines, 2015. Collection method: clinical testing. Allele origin: germline.

Sema4
Classification: Likely benign for Hereditary cancer-predisposing syndrome. Last evaluated: 2022-03-05. Review status: criteria provided, single submitter. Criteria: Sema4 Curation Guidelines. Collection method: curation. Allele origin: germline.

Quest Diagnostics Nichols Institute San Juan Capistrano
Classification: Likely benign. Last evaluated: 2020-07-29. Review status: criteria provided, single submitter. Criteria: Quest Diagnostics criteria. Collection method: clinical testing. Allele origin: unknown.

Color Diagnostics, LLC DBA Color Health
Classification: Likely benign for Hereditary cancer-predisposing syndrome. Last evaluated: 2015-10-19. Review status: criteria provided, single submitter. Criteria: ACMG Guidelines, 2015. Collection method: clinical testing. Allele origin: germline.

GeneDx
Classification: Benign. Last evaluated: 2015-07-23. Review status: criteria provided, single submitter. Criteria: GeneDx Variant Classification (06012015). Collection method: clinical testing. Allele origin: germline. Affected: yes.
Comment: This variant is considered likely benign or benign based on one or more of the following criteria: it is a conservative change, it occurs at a poorly conserved position in the protein, it is predicted to be benign by multiple in silico algorithms, and/or has population frequency not consistent with disease.

BRCAlab, Lund University
Classification: Uncertain significance for Breast-ovarian cancer, familial, susceptibility to, 1. Last evaluated: 2020-03-02. Review status: no assertion criteria provided. Collection method: clinical testing. Allele origin: germline. Affected: yes. Not counted in ClinVar's aggregate classification.

Counsyl
Classification: Uncertain significance for Breast-ovarian cancer, familial, susceptibility to, 1. Last evaluated: 2018-02-27. Review status: no assertion criteria provided. Collection method: clinical testing. Allele origin: unknown. Not counted in ClinVar's aggregate classification.

Breast Cancer Information Core (BIC) (BRCA1)
Classification: Uncertain significance for Breast-ovarian cancer, familial 1. Last evaluated: 2004-02-20. Review status: no assertion criteria provided. Collection method: clinical testing. Allele origin: germline. Affected: yes. Observed: 1 variant allele. Not counted in ClinVar's aggregate classification.

Department of Pathology and Laboratory Medicine, Sinai Health System
Classification: Uncertain significance. Review status: no assertion criteria provided. Collection method: clinical testing. Allele origin: unknown. Affected: yes. Study: The Canadian Open Genetics Repository (COGR). Not counted in ClinVar's aggregate classification.

Literature cited by the submitters: PubMed 31143303 (cited by Center for Genomic Medicine, Rigshospitalet, Copenhagen University Hospital and Quest Diagnostics Nichols Institute San Juan Capistrano); PubMed 16267036 (cited by Quest Diagnostics Nichols Institute San Juan Capistrano and Counsyl).